The following is an entry in ClinVar:

ClinVar aggregate classification (germline): Uncertain significance (1 of 4 stars; one submission).

Allele frequency attached by ClinVar (database versions not stated): gnomAD exomes below 0.00001; TOPMed below 0.00001.
gnomAD v4.1: 1 of 1,614,142 alleles (0.000062%); highest among the groups gnomAD compares: South Asian, 0.0011%; no homozygotes.

Submission:

Labcorp Genetics (formerly Invitae), Labcorp
Classification: Uncertain significance. Last evaluated: 2022-07-05. Review status: criteria provided, single submitter. Criteria: Invitae Variant Classification Sherloc (09022015). Collection method: clinical testing. Allele origin: germline.
Comment: In summary, the available evidence is currently insufficient to determine the role of this variant in disease. Therefore, it has been classified as a Variant of Uncertain Significance. Algorithms developed to predict the effect of missense changes on protein structure and function are either unavailable or do not agree on the potential impact of this missense change (SIFT: "Deleterious"; PolyPhen-2: "Not Available"; Align-GVGD: "Class C0"). This variant has not been reported in the literature in individuals affected with SRCAP-related conditions. This variant is not present in population databases (gnomAD no frequency). This sequence change replaces serine, which is neutral and polar, with isoleucine, which is neutral and non-polar, at codon 3081 of the SRCAP protein (p.Ser3081Ile).

NM_006662.3(SRCAP):c.9242G>T (p.Ser3081Ile)

Gene: SRCAP (Snf2 related CREBBP activator protein; plus strand). Cytogenetic location: 16p11.2.
Variant type: single nucleotide variant.
Coding change: c.9242G>T on transcript NM_006662.3 (MANE Select); coding-DNA position 9242, G replaced by T.
Protein change: p.Ser3081Ile; replaces serine 3081 with isoleucine.
Molecular consequence: missense variant.
Genome position (GRCh38, 1-based): chr16:30,739,282, G>T. VCF-style: chr16-30739282-G-T. GRCh37 (hg19) VCF-style: chr16-30750603-G-T.
Other names: short protein forms S3081I.
Identifiers: ClinVar variation 2060798 (VCV002060798.4), dbSNP rs2053197624, ClinGen allele CA395643773.